The following is an entry in ClinVar:

NM_024642.5(GALNT12):c.131G>T (p.Gly44Val)

Gene: GALNT12 (polypeptide N-acetylgalactosaminyltransferase 12; plus strand). Cytogenetic location: 9q22.33.
Variant type: single nucleotide variant.
Coding change: c.131G>T on transcript NM_024642.5 (MANE Select); coding-DNA position 131, G replaced by T.
Protein change: p.Gly44Val; replaces glycine 44 with valine.
Molecular consequence: missense variant.
Genome position (GRCh38, 1-based): chr9:98,807,829, G>T. VCF-style: chr9-98807829-G-T. GRCh37 (hg19) VCF-style: chr9-101570111-G-T.
Other names: short protein forms G44V.
Identifiers: ClinVar variation 3852677 (VCV003852677.1).
Genomic context (GRCh38, chr9:98,807,829, plus strand): 5'-TCCTGGCGCTACTGGCGTTGGCCGGGCTGGGCTCGGTGCTGCGGGCGCAGCGTGGGGCCG[G>T]GGCCGGGGCTGCCGAGCCGGGACCCCCGCGCACCCCGCGCCCCGGGCGGCGCGAGCCGGT-3'
Protein context (NP_078918.3, residues 34-54): GSVLRAQRGA[Gly44Val]AGAAEPGPPR

ClinVar aggregate classification (germline): Uncertain significance (1 of 4 stars; one submission).

Submission:

Ambry Genetics
Classification: Uncertain significance. Last evaluated: 2025-02-24. Review status: criteria provided, single submitter. Criteria: Ambry Variant Classification Scheme 2023. Collection method: clinical testing. Allele origin: germline.
Comment: The p.G44V variant (also known as c.131G>T), located in coding exon 1 of the GALNT12 gene, results from a G to T substitution at nucleotide position 131. The glycine at codon 44 is replaced by valine, an amino acid with dissimilar properties. This amino acid position is conserved. In addition, this alteration is predicted to be tolerated by in silico analysis. Based on the available evidence, the clinical significance of this variant remains unclear.